The following is an entry in ClinVar:

ClinVar aggregate classification (germline): Likely benign (1 of 4 stars; one submission).

Conditions:
MYH14-related disorder. Also called: MYH14-related condition.

gnomAD v4.1: 24 of 1,612,896 alleles (0.0015%); highest among the groups gnomAD compares: South Asian, 0.011%; no homozygotes.

Submission:

PreventionGenetics, part of Exact Sciences
Classification: Likely benign for MYH14-related condition. Last evaluated: 2025-03-20. Review status: criteria provided, single submitter. Criteria: ACMG Guidelines, 2015. Collection method: clinical testing. Allele origin: germline.
Comment: This variant is classified as likely benign based on ACMG/AMP sequence variant interpretation guidelines (Richards et al. 2015 PMID: 25741868, with internal and published modifications).

NM_001145809.2(MYH14):c.5811C>G (p.Val1937=)

Gene: MYH14 (myosin heavy chain 14; plus strand). Cytogenetic location: 19q13.33.
Variant type: single nucleotide variant.
Coding change: c.5811C>G on transcript NM_001145809.2 (MANE Select); coding-DNA position 5811, C replaced by G.
Protein change: p.Val1937=; no amino-acid change (valine 1937 retained).
Molecular consequence: synonymous variant.
Genome position (GRCh38, 1-based): chr19:50,309,028, C>G. VCF-style: chr19-50309028-C-G. GRCh37 (hg19) VCF-style: chr19-50812285-C-G.
Other names: c.5712C>G, p.Val1904= (NM_001077186.2); c.5688C>G, p.Val1896= (NM_024729.4).
Identifiers: ClinVar variation 4980725 (VCV004980725.1).
Genomic context (GRCh38, chr19:50,309,028, plus strand): 5'-CCTGGAGATATAACCCAGTCCCCCTGCTTCCATCAAGCTGGAGAAGGGAAACCTTCGAGT[C>G]AAGCAGCTGAAGCGGCAGCTGGAGGAGGCCGAGGAGGAGGCATCCCGGGCTCAGGCCGGC-3'
Protein context (NP_001139281.1, residues 1927-1947): RDQLEKGNLR[Val1937=]KQLKRQLEEA